The following is an entry in ClinVar:

NM_004612.4(TGFBR1):c.52GCG[4] (p.Ala22_Ala26del)

Gene: TGFBR1 (transforming growth factor beta receptor 1; plus strand). Cytogenetic location: 9q22.33.
Variant type: Microsatellite.
Coding change: c.52GCG[4] on transcript NM_004612.4 (MANE Select); four copies in a row of the 3-base unit GCG starting at c.52; the reference has nine copies in a row; five copies, 15 bases deleted.
Protein change: p.Ala22_Ala26del.
Molecular consequence: inframe deletion.
Genome position (GRCh38, 1-based): chr9:99,105,269-99,105,283, GCGGCGGCGGCGGCG deleted; deleting any 15 consecutive bases within chr9:99,105,256-99,105,283 gives the same sequence; the position shown is the placement nearest the transcript's 3' end. VCF-style (leftmost placement, unchanged base first): chr9-99105255-TGGCGGCGGCGGCGGC-T. GRCh37 (hg19) VCF-style: chr9-101867537-TGGCGGCGGCGGCGGC-T.
Other names: c.52GCG[4], p.Ala22_Ala26del (NM_001130916.3, NM_001306210.2); c.64_78delGCGGCGGCGGCGGCG (NM_004612.2); c.64_78del (NM_001130916.2).
Identifiers: ClinVar variation 496263 (VCV000496263.10), dbSNP rs11466445, ClinGen allele CA658683545.

ClinVar aggregate classification (germline): Conflicting classifications of pathogenicity. Review status: criteria provided, conflicting classifications (1 of 4 stars). 5 submissions from 5 submitters: Uncertain significance (2); Likely benign (3). Last evaluated 2026-01-27.

Conditions:
Familial thoracic aortic aneurysm and aortic dissection (TAAD). Also called: Thoracic aortic aneurysms and dissections. Identifiers: Orphanet 91387, MedGen C4707243, MONDO:0019625.

Submissions (5):

Labcorp Genetics (formerly Invitae), Labcorp
Classification: Uncertain significance for Familial thoracic aortic aneurysm and aortic dissection. Last evaluated: 2026-01-27. Review status: criteria provided, single submitter. Criteria: Invitae Variant Classification Sherloc (09022015). Collection method: clinical testing. Allele origin: germline.
Comment: This variant, c.64_78del, results in the deletion of 5 amino acid(s) of the TGFBR1 protein (p.Ala22_Ala26del), but otherwise preserves the integrity of the reading frame. The frequency data for this variant in the population databases is considered unreliable, as metrics indicate insufficient coverage at this position in the gnomAD database. This variant has not been reported in the literature in individuals affected with TGFBR1-related conditions. ClinVar contains an entry for this variant (Variation ID: 496263). In summary, the available evidence is currently insufficient to determine the role of this variant in disease. Therefore, it has been classified as a Variant of Uncertain Significance.

Ambry Genetics
Classification: Likely benign for Familial thoracic aortic aneurysm and aortic dissection. Last evaluated: 2022-06-16. Review status: criteria provided, single submitter. Criteria: Ambry Variant Classification Scheme 2023. Collection method: clinical testing. Allele origin: germline.

Clinical Genetics Laboratory, Skane University Hospital Lund
Classification: Likely benign. Last evaluated: 2022-05-27. Review status: criteria provided, single submitter. Criteria: ACMG Guidelines, 2015. Collection method: clinical testing. Allele origin: germline. Affected: yes.

GeneDx
Classification: Likely benign. Last evaluated: 2021-07-19. Review status: criteria provided, single submitter. Criteria: GeneDx Variant Classification Process June 2021. Collection method: clinical testing. Allele origin: germline. Affected: yes.

Women's Health and Genetics/Laboratory Corporation of America, LabCorp
Classification: Uncertain significance. Last evaluated: 2017-05-22. Review status: criteria provided, single submitter. Criteria: LabCorp Variant Classification Summary - May 2015. Collection method: clinical testing. Allele origin: germline.
Comment: Variant summary: The TGFBR1 c.64_78delGCGGCGGCGGCGGCG (p.Ala22_Ala26del) variant involves the deletion of 15 nucleotides and results an inframe deletion of 5 out of 9 consecutive Alanines in N-terminus of TGFBR1 protein. These repeating Alanines are not located in any known domain (InterPro). One in silico tool predicts a benign outcome for this variant. There is no or extremely low coverage in this region in control databases (ExAC, gnomAD, ESP, or 1000Gs). c.70_78delGCGGCGGCG (rs11466445), a shorter deletion in this Alanine repeat region, is classified as benign/likely benign by 8 clinical diagnostics laboratories in ClinVar. However, the variant of interest has not, to our knowledge, been reported in affected individuals via publications and/or reputable databases/clinical diagnostic laboratories; nor evaluated for functional impact by in vivo/vitro studies. Because of the absence of clinical information and the lack of functional studies, the variant is classified as a variant of uncertain significance (VUS) until additional information becomes available.